The following is an entry in ClinVar:

NM_001354604.2(MITF):c.362C>A (p.Thr121Asn)

Gene: MITF (melanocyte inducing transcription factor; plus strand). Cytogenetic location: 3p13.
Variant type: single nucleotide variant.
Coding change: c.362C>A on transcript NM_001354604.2 (MANE Select); coding-DNA position 362, C replaced by A.
Protein change: p.Thr121Asn; replaces threonine 121 with asparagine.
Molecular consequence: missense variant.
Genome position (GRCh38, 1-based): chr3:69,937,829, C>A. VCF-style: chr3-69937829-C-A. GRCh37 (hg19) VCF-style: chr3-69986980-C-A.
Other names: c.41C>A, p.Thr14Asn (NM_000248.4, NM_001184968.2, NM_198158.3 and 1 more transcripts); c.206C>A, p.Thr69Asn (NM_001184967.2, NM_001354608.2); c.359C>A, p.Thr120Asn (NM_001354605.2, NM_001354606.2, NM_006722.3); c.311C>A, p.Thr104Asn (NM_001354607.2); c.362C>A, p.Thr121Asn (NM_198159.3); c.314C>A, p.Thr105Asn (NM_198177.3); short protein forms T120N, T69N, T14N, T104N, T121N, T105N.
Identifiers: ClinVar variation 5024488 (VCV005024488.1).

ClinVar aggregate classification (germline): Uncertain significance (1 of 4 stars; one submission).

Conditions:
Hereditary cancer-predisposing syndrome. Also called: Neoplastic Syndromes, Hereditary; Tumor predisposition; Hereditary neoplastic syndrome; Hereditary Cancer Syndrome. Identifiers: Orphanet 140162, MedGen C0027672, MeSH D009386, MONDO:0015356.

Submission:

Ambry Genetics
Classification: Uncertain significance for Hereditary cancer-predisposing syndrome. Last evaluated: 2026-08-29. Review status: criteria provided, single submitter. Criteria: Ambry Variant Classification Scheme 2023. Collection method: clinical testing. Allele origin: germline.
Comment: The p.T14N variant (also known as c.41C>A), located in coding exon 2 of the MITF gene, results from a C to A substitution at nucleotide position 41. The threonine at codon 14 is replaced by asparagine, an amino acid with similar properties. This amino acid position is conserved. In addition, this alteration is predicted to be tolerated by in silico analysis. Based on the available evidence, the clinical significance of this variant remains unclear.